The following is an entry in ClinVar:

NM_000557.5(GDF5):c.-134C>G

Genes: GDF5 (growth differentiation factor 5; minus strand), LOC109461476 (GDF5 promoter region; plus strand). Cytogenetic location: 20q11.22.
Variant type: single nucleotide variant.
Coding change: c.-134C>G on transcript NM_000557.5 (MANE Select); 134 bases upstream of the start codon, C replaced by G.
Molecular consequence: 5 prime UTR variant.
Genome position (GRCh38, 1-based): chr20:35,438,062, G>C on the plus strand (C>G on the coding strand, the complement: GDF5 is on the minus strand). VCF-style: chr20-35438062-G-C. GRCh37 (hg19) VCF-style: chr20-34025842-G-C.
Other names: c.-134C>G (NM_001319138.2).
Identifiers: ClinVar variation 896024 (VCV000896024.4), dbSNP rs144924248, ClinGen allele CA314131789.

ClinVar aggregate classification (germline): Conflicting classifications of pathogenicity. Review status: criteria provided, conflicting classifications (1 of 4 stars). 5 submissions from 1 submitter: Uncertain significance (3); Benign (2). Last evaluated 2018-01-12.

Conditions:
Multiple synostoses syndrome 2 (SYNS2). Identifiers: Orphanet 3237, MedGen C1832708, MONDO:0012394, OMIM 610017.
Grebe syndrome. Also called: ACROMESOMELIC DYSPLASIA 2A; ACROMESOMELIC DYSPLASIA, GREBE TYPE; GREBE DYSPLASIA. Identifiers: Orphanet 2098, MedGen C0265260, MONDO:0008703, OMIM 200700.
Acromesomelic dysplasia 2B. Also called: DU PAN SYNDROME. Identifiers: Orphanet 2639, MedGen C1856738, MONDO:0009231, OMIM 228900.
Brachydactyly. Also called: Brachydactyly syndrome; Brachydactyly (disease). Identifiers: MedGen C0221357, MONDO:0021004, HP:0001156.
Acromesomelic dysplasia 2C, Hunter-Thompson type. Also called: Acromesomelic dysplasia, Hunter-Thompson type. Identifiers: Orphanet 968, MedGen C2930970, MONDO:0008717, OMIM 201250.

Allele frequency attached by ClinVar (database versions not stated): gnomAD exomes 0.00030; 1000 Genomes Project 30x 0.00078; 1000 Genomes Project 0.00100; gnomAD 0.00143 and 0.00155; TOPMed 0.00143.

Submissions (5):

Illumina Laboratory Services, Illumina
Classification: Benign for Multiple synostoses syndrome 2. Last evaluated: 2018-01-12. Review status: criteria provided, single submitter. Criteria: ICSL Variant Classification Criteria 13 December 2019. Collection method: clinical testing. Allele origin: germline.
Comment: This variant was observed in the ICSL laboratory as part of a predisposition screen in an ostensibly healthy population. It had not been previously curated by ICSL or reported in the Human Gene Mutation Database (HGMD: prior to June 1st, 2018), and was therefore a candidate for classification through an automated scoring system. Utilizing variant allele frequency, disease prevalence and penetrance estimates, and inheritance mode, an automated score was calculated to assess if this variant is too frequent to cause the disease. Based on the score and internal cut-off values, a variant classified as benign is not then subjected to further curation. The score for this variant resulted in a classification of benign for this disease.

Illumina Laboratory Services, Illumina
Classification: Uncertain significance for Acromesomelic dysplasia 2C, Hunter-Thompson type. Last evaluated: 2018-01-12. Review status: criteria provided, single submitter. Criteria: ICSL Variant Classification Criteria 13 December 2019. Collection method: clinical testing. Allele origin: germline.

Illumina Laboratory Services, Illumina
Classification: Benign for Brachydactyly. Last evaluated: 2018-01-12. Review status: criteria provided, single submitter. Criteria: ICSL Variant Classification Criteria 13 December 2019. Collection method: clinical testing. Allele origin: germline.
Comment: the same text as in the submission from Illumina Laboratory Services, Illumina above.

Illumina Laboratory Services, Illumina
Classification: Uncertain significance for Grebe syndrome. Last evaluated: 2018-01-12. Review status: criteria provided, single submitter. Criteria: ICSL Variant Classification Criteria 13 December 2019. Collection method: clinical testing. Allele origin: germline.

Illumina Laboratory Services, Illumina
Classification: Uncertain significance for Fibular hypoplasia and complex brachydactyly. Last evaluated: 2018-01-12. Review status: criteria provided, single submitter. Criteria: ICSL Variant Classification Criteria 13 December 2019. Collection method: clinical testing. Allele origin: germline.